The following is an entry in ClinVar:

ClinVar aggregate classification (germline): Pathogenic. Review status: criteria provided, multiple submitters, no conflicts (2 of 4 stars). 2 submissions from 2 submitters: Pathogenic (2). Last evaluated 2023-04-10.

Conditions:
Hereditary cancer-predisposing syndrome. Also called: Neoplastic Syndromes, Hereditary; Hereditary neoplastic syndrome; Tumor predisposition; Hereditary Cancer Syndrome. Identifiers: Orphanet 140162, MedGen C0027672, MeSH D009386, MONDO:0015356.
Cardiovascular phenotype. Identifiers: MedGen CN230736.

Submissions (2):

Labcorp Genetics (formerly Invitae), Labcorp
Classification: Pathogenic. Last evaluated: 2023-04-10. Review status: criteria provided, single submitter. Criteria: Invitae Variant Classification Sherloc (09022015). Collection method: clinical testing. Allele origin: germline.
Comment: Algorithms developed to predict the effect of sequence changes on RNA splicing suggest that this variant may create or strengthen a splice site. For these reasons, this variant has been classified as Pathogenic. This variant has not been reported in the literature in individuals affected with LZTR1-related conditions. This variant is not present in population databases (gnomAD no frequency). This sequence change creates a premature translational stop signal (p.Lys147*) in the LZTR1 gene. It is expected to result in an absent or disrupted protein product. Loss-of-function variants in LZTR1 are known to be pathogenic (PMID: 24362817, 25335493, 25480913, 25795793, 29469822, 30368668, 30442762, 30442766, 30481304, 30859559).

Ambry Genetics
Classification: Pathogenic for Cardiovascular phenotype; Hereditary cancer-predisposing syndrome. Last evaluated: 2023-01-06. Review status: criteria provided, single submitter. Criteria: Ambry Variant Classification Scheme 2023. Collection method: clinical testing. Allele origin: germline.
Comment: The p.K147* pathogenic mutation (also known as c.439A>T), located in coding exon 5 of the LZTR1 gene, results from an A to T substitution at nucleotide position 439. This changes the amino acid from a lysine to a stop codon within coding exon 5. This variant is considered to be rare based on population cohorts in the Genome Aggregation Database (gnomAD). This alteration is expected to result in loss of function by premature protein truncation or nonsense-mediated mRNA decay. Based on the supporting evidence, this variant is pathogenic for an increased risk of LZTR1-related schwannomatosis (SWN) and would be expected to cause autosomal recessive Noonan syndrome when present along with a second pathogenic or likely pathogenic variant on the other allele; however, the association of this alteration with autosomal dominant Noonan syndrome is unlikely.

Literature cited by the submitters: PubMed 24362817 (cited by Labcorp Genetics (formerly Invitae), Labcorp); PubMed 25335493 (cited by Labcorp Genetics (formerly Invitae), Labcorp); PubMed 25480913 (cited by Labcorp Genetics (formerly Invitae), Labcorp); PubMed 25795793 (cited by Labcorp Genetics (formerly Invitae), Labcorp); PubMed 29469822 (cited by Labcorp Genetics (formerly Invitae), Labcorp); PubMed 30368668 (cited by Labcorp Genetics (formerly Invitae), Labcorp); PubMed 30442762 (cited by Labcorp Genetics (formerly Invitae), Labcorp); PubMed 30442766 (cited by Labcorp Genetics (formerly Invitae), Labcorp); PubMed 30481304 (cited by Labcorp Genetics (formerly Invitae), Labcorp); PubMed 30859559 (cited by Labcorp Genetics (formerly Invitae), Labcorp).

NM_006767.4(LZTR1):c.439A>T (p.Lys147Ter)

Gene: LZTR1 (leucine zipper like post translational regulator 1; plus strand). Cytogenetic location: 22q11.21.
Variant type: single nucleotide variant.
Coding change: c.439A>T on transcript NM_006767.4 (MANE Select); coding-DNA position 439, A replaced by T.
Protein change: p.Lys147Ter; replaces lysine 147 with a stop codon.
Molecular consequence: nonsense.
Genome position (GRCh38, 1-based): chr22:20,988,048, A>T. VCF-style: chr22-20988048-A-T. GRCh37 (hg19) VCF-style: chr22-21342337-A-T.
Other names: short protein forms K147*.
Identifiers: ClinVar variation 2496785 (VCV002496785.5), dbSNP rs2518613257, ClinGen allele CA410779776.